The following is an entry in ClinVar:

NM_006160.4(NEUROD2):c.85C>A (p.Pro29Thr)

Gene: NEUROD2 (neuronal differentiation 2; minus strand). Cytogenetic location: 17q12.
Variant type: single nucleotide variant.
Coding change: c.85C>A on transcript NM_006160.4 (MANE Select); coding-DNA position 85, C replaced by A.
Protein change: p.Pro29Thr; replaces proline 29 with threonine.
Molecular consequence: missense variant.
Genome position (GRCh38, 1-based): chr17:39,606,515, G>T on the plus strand (C>A on the coding strand, the complement: NEUROD2 is on the minus strand). VCF-style: chr17-39606515-G-T. GRCh37 (hg19) VCF-style: chr17-37762768-G-T.
Other names: short protein forms P29T.
Identifiers: ClinVar variation 5017729 (VCV005017729.1).
Genomic context (GRCh38, chr17:39,606,515, plus strand): 5'-GAGCCCCTGGCCCGGGCGCAGGCGGTGGCGGTGGCGGCGCGTCGCCCTTGTCGCTCCTCG[G>T]CTCGTCGTCTTCGCCGTCGCCCCAGCTGGCGAACTTGGGCACGTCCGAGAGAAGGCCGGG-3'
Protein context (NP_006151.3, residues 19-39): ASWGDGEDDE[Pro29Thr]RSDKGDAPPP

ClinVar aggregate classification (germline): Uncertain significance (1 of 4 stars; one submission).

Submission:

GeneDx
Classification: Uncertain significance. Last evaluated: 2026-03-27. Review status: criteria provided, single submitter. Criteria: GeneDx Variant Classification Process June 2021. Collection method: clinical testing. Allele origin: germline.
Comment: Not observed at significant frequency in large population cohorts (gnomAD); In silico analysis suggests that this missense variant does not alter protein structure/function; Has not been previously published as pathogenic or benign to our knowledge